The following is an entry in ClinVar:

ClinVar aggregate classification (germline): Uncertain significance (1 of 4 stars; one submission).

Conditions:
Arrhythmogenic right ventricular dysplasia 12. Also called: ARRHYTHMOGENIC RIGHT VENTRICULAR DYSPLASIA, FAMILIAL, 12. Identifiers: MedGen C1969081, MONDO:0012684, OMIM 611528.
Naxos disease (NXD). Also called: CARDIOMYOPATHY, ARRHYTHMOGENIC RIGHT VENTRICULAR, WITH SKIN, HAIR, AND NAIL ABNORMALITIES; KERATOSIS PALMOPLANTARIS WITH ARRHYTHMOGENIC CARDIOMYOPATHY; MAL DE NAXOS; PALMOPLANTAR KERATODERMA WITH ARRHYTHMOGENIC RIGHT VENTRICULAR CARDIOMYOPATHY AND WOOLLY HAIR; WOOLLY HAIR, PALMOPLANTAR KERATODERMA, AND CARDIAC ABNORMALITIES. Identifiers: Orphanet 34217, MedGen C1832600, MONDO:0011017, OMIM 601214.

gnomAD v4.1: 1 of 1,614,098 alleles (0.000062%); no homozygotes.

Submission:

Labcorp Genetics (formerly Invitae), Labcorp
Classification: Uncertain significance for Arrhythmogenic right ventricular dysplasia 12; Naxos disease. Last evaluated: 2025-12-23. Review status: criteria provided, single submitter. Criteria: Invitae Variant Classification Sherloc (09022015). Collection method: clinical testing. Allele origin: germline.
Comment: This sequence change replaces glutamine, which is neutral and polar, with arginine, which is basic and polar, at codon 491 of the JUP protein (p.Gln491Arg). This variant is not present in population databases (gnomAD no frequency). This variant has not been reported in the literature in individuals affected with JUP-related conditions. An algorithm developed to predict the effect of missense changes on protein structure and function (PolyPhen-2) suggests that this variant is likely to be tolerated. In summary, the available evidence is currently insufficient to determine the role of this variant in disease. Therefore, it has been classified as a Variant of Uncertain Significance.

NM_002230.4(JUP):c.1472A>G (p.Gln491Arg)

Gene: JUP (junction plakoglobin; minus strand). Cytogenetic location: 17q21.2.
Variant type: single nucleotide variant.
Coding change: c.1472A>G on transcript NM_002230.4 (MANE Select); coding-DNA position 1472, A replaced by G.
Protein change: p.Gln491Arg; replaces glutamine 491 with arginine.
Molecular consequence: missense variant.
Genome position (GRCh38, 1-based): chr17:41,763,008, T>C on the plus strand (A>G on the coding strand, the complement: JUP is on the minus strand). VCF-style: chr17-41763008-T-C. GRCh37 (hg19) VCF-style: chr17-39919260-T-C.
Other names: c.1472A>G, p.Gln491Arg (NM_001352773.2, NM_001352774.2, NM_001352775.2 and 3 more transcripts); short protein forms Q491R.
Identifiers: ClinVar variation 4791770 (VCV004791770.1).